The following is an entry in ClinVar:

ClinVar aggregate classification (germline): Conflicting classifications of pathogenicity. Review status: criteria provided, conflicting classifications (1 of 4 stars). 3 submissions from 3 submitters: Uncertain significance (2); Likely benign (1). Last evaluated 2025-09-15.

Conditions:
Ichthyosis linearis circumflexa. Identifiers: MedGen C0265962, MONDO:0043106, HP:0025810.

Allele frequency attached by ClinVar (database versions not stated): ExAC 0.00002; gnomAD exomes 0.00002; TOPMed 0.00002.

Submissions (3):

Labcorp Genetics (formerly Invitae), Labcorp
Classification: Uncertain significance for Ichthyosis linearis circumflexa. Last evaluated: 2025-09-15. Review status: criteria provided, single submitter. Criteria: Invitae Variant Classification Sherloc (09022015). Collection method: clinical testing. Allele origin: germline.
Comment: This sequence change replaces glutamic acid, which is acidic and polar, with lysine, which is basic and polar, at codon 706 of the SPINK5 protein (p.Glu706Lys). This variant is present in population databases (rs774685134, gnomAD 0.006%). This variant has not been reported in the literature in individuals affected with SPINK5-related conditions. ClinVar contains an entry for this variant (Variation ID: 1699877). Invitae Evidence Modeling of protein sequence and biophysical properties (such as structural, functional, and spatial information, amino acid conservation, physicochemical variation, residue mobility, and thermodynamic stability) indicates that this missense variant is not expected to disrupt SPINK5 protein function with a negative predictive value of 80%. In summary, the available evidence is currently insufficient to determine the role of this variant in disease. Therefore, it has been classified as a Variant of Uncertain Significance.

Blueprint Genetics
Classification: Likely benign. Last evaluated: 2024-01-17. Review status: criteria provided, single submitter. Criteria: ACMG Guidelines, 2015. Collection method: clinical testing. Allele origin: germline.

GeneDx
Classification: Uncertain significance. Last evaluated: 2022-01-28. Review status: criteria provided, single submitter. Criteria: GeneDx Variant Classification Process June 2021. Collection method: clinical testing. Allele origin: germline. Affected: yes.
Comment: In silico analysis supports that this missense variant does not alter protein structure/function; Has not been previously published as pathogenic or benign to our knowledge

NM_006846.4(SPINK5):c.2116G>A (p.Glu706Lys)

Gene: SPINK5 (serine peptidase inhibitor Kazal type 5; plus strand). Cytogenetic location: 5q32.
Variant type: single nucleotide variant.
Coding change: c.2116G>A on transcript NM_006846.4 (MANE Select); coding-DNA position 2116, G replaced by A.
Protein change: p.Glu706Lys; replaces glutamic acid 706 with lysine.
Molecular consequence: missense variant.
Genome position (GRCh38, 1-based): chr5:148,118,440, G>A. VCF-style: chr5-148118440-G-A. GRCh37 (hg19) VCF-style: chr5-147498003-G-A.
Other names: c.2116G>A, p.Glu706Lys (NM_001127698.2, NM_001127699.2); short protein forms E706K.
Identifiers: ClinVar variation 1699877 (VCV001699877.5), dbSNP rs774685134, ClinGen allele CA3495872.